The following is an entry in ClinVar:

ClinVar aggregate classification (germline): Benign. Review status: criteria provided, multiple submitters, no conflicts (2 of 4 stars). 11 submissions from 10 submitters: Benign (10). 1 of the submissions does not count toward it. Last evaluated 2026-02-04.

Conditions:
Retinitis pigmentosa 39 (RP39). Identifiers: Orphanet 791, MedGen C3151138, MONDO:0013436, OMIM 613809.
Usher syndrome type 2A. Also called: RETINAL DISEASE IN USHER SYNDROME TYPE IIA, MODIFIER OF; USHER SYNDROME, TYPE IIA. Identifiers: Orphanet 231178, Orphanet 886, MedGen C1848634, MONDO:0010169, OMIM 276901.

Allele frequency attached by ClinVar (database versions not stated): gnomAD exomes 0.01217; ExAC 0.01385; 1000 Genomes Project 0.03914; gnomAD 0.04078 and 0.04404; 1000 Genomes Project 30x 0.04279; ESP Exome Variant Server 0.04445; TOPMed 0.04698.

Submissions (11):

Labcorp Genetics (formerly Invitae), Labcorp
Classification: Benign. Last evaluated: 2026-02-04. Review status: criteria provided, single submitter. Criteria: Invitae Variant Classification Sherloc (09022015). Collection method: clinical testing. Allele origin: germline.

Women's Health and Genetics/Laboratory Corporation of America, LabCorp
Classification: Benign. Last evaluated: 2025-09-19. Review status: criteria provided, single submitter. Criteria: LabCorp Variant Classification Summary - May 2015. Collection method: clinical testing. Allele origin: germline.

Genome-Nilou Lab
Classification: Benign for Retinitis pigmentosa 39. Last evaluated: 2023-11-04. Review status: criteria provided, single submitter. Criteria: ACMG Guidelines, 2015. Collection method: clinical testing. Allele origin: germline. Affected: no.

Genome-Nilou Lab
Classification: Benign for Usher syndrome type 2A. Last evaluated: 2023-11-04. Review status: criteria provided, single submitter. Criteria: ACMG Guidelines, 2015. Collection method: clinical testing. Allele origin: germline. Affected: no.

Mayo Clinic Laboratories, Mayo Clinic
Classification: Benign. Last evaluated: 2022-05-20. Review status: criteria provided, single submitter. Criteria: ACMG Guidelines, 2015. Collection method: clinical testing. Allele origin: germline. Observed: 3 variant alleles.

Athena Diagnostics
Classification: Benign. Last evaluated: 2018-05-24. Review status: criteria provided, single submitter. Criteria: Athena Diagnostics Criteria. Collection method: clinical testing. Allele origin: germline.

GeneDx
Classification: Benign. Last evaluated: 2011-08-12. Review status: criteria provided, single submitter. Criteria: GeneDx Variant Classification (06012015). Collection method: clinical testing. Allele origin: germline. Affected: yes.
Comment: This variant is considered likely benign or benign based on one or more of the following criteria: it is a conservative change, it occurs at a poorly conserved position in the protein, it is predicted to be benign by multiple in silico algorithms, and/or has population frequency not consistent with disease.

Laboratory for Molecular Medicine, Mass General Brigham Personalized Medicine
Classification: Benign. Last evaluated: 2009-11-24. Review status: criteria provided, single submitter. Criteria: LMM Criteria. Collection method: clinical testing. Allele origin: germline. Observed: 62 variant alleles.

Breakthrough Genomics
Classification: Benign. Review status: criteria provided, single submitter. Criteria: ACMG Guidelines, 2015. Collection method: not provided. Allele origin: germline. Inheritance: Autosomal recessive inheritance. Affected: yes.

PreventionGenetics, part of Exact Sciences
Classification: Benign. Review status: criteria provided, single submitter. Criteria: ACMG Guidelines, 2015. Collection method: clinical testing. Allele origin: germline.

Natera, Inc.
Classification: Benign for Usher syndrome type 2A. Last evaluated: 2020-09-16. Review status: no assertion criteria provided. Collection method: clinical testing. Allele origin: germline. Not counted in ClinVar's aggregate classification.

NM_206933.4(USH2A):c.11736G>A (p.Glu3912=)

Gene: USH2A (usherin; minus strand). Cytogenetic location: 1q41.
Variant type: single nucleotide variant.
Coding change: c.11736G>A on transcript NM_206933.4 (MANE Select); coding-DNA position 11736, G replaced by A.
Protein change: p.Glu3912=; no amino-acid change (glutamic acid 3912 retained).
Molecular consequence: synonymous variant.
Genome position (GRCh38, 1-based): chr1:215,728,360, C>T on the plus strand (G>A on the coding strand, the complement: USH2A is on the minus strand). VCF-style: chr1-215728360-C-T. GRCh37 (hg19) VCF-style: chr1-215901702-C-T.
Other names: p.E3912E:GAG>GAA; p.Glu3912=.
Identifiers: ClinVar variation 48381 (VCV000048381.20), dbSNP rs56053654, ClinGen allele CA143267.